The following is an entry in ClinVar:

ClinVar aggregate classification (germline): Likely benign (0 of 4 stars; one submission).

Conditions:
EPHA3-related disorder. Also called: EPHA3-related condition.

Allele frequency attached by ClinVar (database versions not stated): TOPMed 0.00011; gnomAD 0.00020; 1000 Genomes Project 30x 0.00156; 1000 Genomes Project 0.00180.
gnomAD v4.1: 496 of 1,612,354 alleles (0.031%); highest among the groups gnomAD compares: South Asian, 0.3%; 3 homozygotes.

Submission:

PreventionGenetics, part of Exact Sciences
Classification: Likely benign for EPHA3-related condition. Last evaluated: 2022-06-09. Review status: no assertion criteria provided. Collection method: clinical testing. Allele origin: germline.
Comment: This variant is classified as likely benign based on ACMG/AMP sequence variant interpretation guidelines (Richards et al. 2015 PMID: 25741868, with internal and published modifications).

NM_005233.6(EPHA3):c.2402T>A (p.Phe801Tyr)

Gene: EPHA3 (EPH receptor A3; plus strand). Cytogenetic location: 3p11.1.
Variant type: single nucleotide variant.
Coding change: c.2402T>A on transcript NM_005233.6 (MANE Select); coding-DNA position 2402, T replaced by A.
Protein change: p.Phe801Tyr; replaces phenylalanine 801 with tyrosine.
Molecular consequence: missense variant.
Genome position (GRCh38, 1-based): chr3:89,449,280, T>A. VCF-style: chr3-89449280-T-A. GRCh37 (hg19) VCF-style: chr3-89498430-T-A.
Other names: c.2402T>A, p.Phe801Tyr (NM_001410778.1); short protein forms F801Y.
Identifiers: ClinVar variation 3040979 (VCV003040979.2), dbSNP rs73139269, ClinGen allele CA2502836.